The following is an entry in ClinVar:

ClinVar aggregate classification (germline): Likely benign (0 of 4 stars; one submission).

Conditions:
GLI2-related disorder. Also called: GLI2-related condition; GLI2-related disorders.

Submission:

PreventionGenetics, part of Exact Sciences
Classification: Likely benign for GLI2-related condition. Last evaluated: 2023-08-24. Review status: no assertion criteria provided. Collection method: clinical testing. Allele origin: germline.
Comment: This variant is classified as likely benign based on ACMG/AMP sequence variant interpretation guidelines (Richards et al. 2015 PMID: 25741868, with internal and published modifications).

NM_001374353.1(GLI2):c.2691G>C (p.Arg897=)

Gene: GLI2 (GLI family zinc finger 2; plus strand). Cytogenetic location: 2q14.2.
Variant type: single nucleotide variant.
Coding change: c.2691G>C on transcript NM_001374353.1 (MANE Select); coding-DNA position 2691, G replaced by C.
Protein change: p.Arg897=; no amino-acid change (arginine 897 retained).
Molecular consequence: synonymous variant.
Genome position (GRCh38, 1-based): chr2:120,988,656, G>C. VCF-style: chr2-120988656-G-C. GRCh37 (hg19) VCF-style: chr2-121746232-G-C.
Other names: c.2742G>C, p.Arg914= (NM_001371271.1, NM_005270.5); c.2316G>C, p.Arg772= (NM_001374354.1).
Identifiers: ClinVar variation 3054858 (VCV003054858.2), dbSNP rs2467770733, ClinGen allele CA428749330.